The following is an entry in ClinVar:

ClinVar aggregate classification (germline): Uncertain significance (1 of 4 stars; one submission).

Conditions:
Hereditary cancer-predisposing syndrome. Also called: Hereditary Cancer Syndrome; Tumor predisposition; Hereditary neoplastic syndrome; Neoplastic Syndromes, Hereditary. Identifiers: Orphanet 140162, MedGen C0027672, MeSH D009386, MONDO:0015356.

Submission:

Ambry Genetics
Classification: Uncertain significance for Hereditary cancer-predisposing syndrome. Last evaluated: 2024-06-30. Review status: criteria provided, single submitter. Criteria: Ambry Variant Classification Scheme 2023. Collection method: clinical testing. Allele origin: germline.
Comment: The p.R1066W variant (also known as c.3196A>T), located in coding exon 23 of the MSH3 gene, results from an A to T substitution at nucleotide position 3196. The arginine at codon 1066 is replaced by tryptophan, an amino acid with dissimilar properties. This amino acid position is conserved. In addition, this alteration is predicted to be deleterious by in silico analysis. Based on the available evidence, the clinical significance of this variant remains unclear.

NM_002439.5(MSH3):c.3196A>T (p.Arg1066Trp)

Gene: MSH3 (mutS homolog 3; plus strand). Cytogenetic location: 5q14.1.
Variant type: single nucleotide variant.
Coding change: c.3196A>T on transcript NM_002439.5 (MANE Select); coding-DNA position 3196, A replaced by T.
Protein change: p.Arg1066Trp; replaces arginine 1066 with tryptophan.
Molecular consequence: missense variant.
Genome position (GRCh38, 1-based): chr5:80,873,181, A>T. VCF-style: chr5-80873181-A-T. GRCh37 (hg19) VCF-style: chr5-80169000-A-T.
Other names: short protein forms R1066W.
Identifiers: ClinVar variation 3398687 (VCV003398687.1).